The following is an entry in ClinVar:

NM_001385641.1(SAMD11):c.769C>T (p.His257Tyr)

Gene: SAMD11 (sterile alpha motif domain containing 11; plus strand). Cytogenetic location: 1p36.33.
Variant type: single nucleotide variant.
Coding change: c.769C>T on transcript NM_001385641.1 (MANE Select); coding-DNA position 769, C replaced by T.
Protein change: p.His257Tyr; replaces histidine 257 with tyrosine.
Molecular consequence: missense variant.
Genome position (GRCh38, 1-based): chr1:930,314, C>T. VCF-style: chr1-930314-C-T. GRCh37 (hg19) VCF-style: chr1-865694-C-T.
Other names: c.232C>T (NM_152486.2); c.769C>T, p.His257Tyr (NM_001385640.1); c.232C>T, p.His78Tyr (NM_152486.4); short protein forms H257Y, H78Y.
Identifiers: ClinVar variation 1170010 (VCV001170010.12), dbSNP rs9988179, ClinGen allele CA502459.

ClinVar aggregate classification (germline): Benign. Review status: criteria provided, multiple submitters, no conflicts (2 of 4 stars). 3 submissions from 3 submitters: Benign (2). 1 of the submissions does not count toward it. Last evaluated 2026-02-03.

Conditions:
SAMD11-related disorder. Also called: SAMD11-related condition.

Allele frequency attached by ClinVar (database versions not stated): ESP Exome Variant Server 0.00732; TOPMed 0.02721; gnomAD exomes 0.02893; ExAC 0.03810; 1000 Genomes Project 30x 0.05169; 1000 Genomes Project 0.05252.

Submissions (3):

Labcorp Genetics (formerly Invitae), Labcorp
Classification: Benign. Last evaluated: 2026-02-03. Review status: criteria provided, single submitter. Criteria: Invitae Variant Classification Sherloc (09022015). Collection method: clinical testing. Allele origin: germline.

Breakthrough Genomics
Classification: Benign. Review status: criteria provided, single submitter. Criteria: ACMG Guidelines, 2015. Collection method: not provided. Allele origin: germline. Inheritance: Unknown mechanism. Affected: yes.

PreventionGenetics, part of Exact Sciences
Classification: Benign for SAMD11-related condition. Last evaluated: 2020-01-08. Review status: no assertion criteria provided. Collection method: clinical testing. Allele origin: germline. Not counted in ClinVar's aggregate classification.
Comment: This variant is classified as benign based on ACMG/AMP sequence variant interpretation guidelines (Richards et al. 2015 PMID: 25741868, with internal and published modifications).